The following is an entry in ClinVar:

NM_177438.3(DICER1):c.5100_5103del (p.Tyr1701fs)

Gene: DICER1 (dicer 1, ribonuclease III; minus strand). Cytogenetic location: 14q32.13.
Variant type: Deletion.
Coding change: c.5100_5103del on transcript NM_177438.3 (MANE Select); coding-DNA positions 5100 to 5103, 4 bases deleted (TTAC; older notation c.5100_5103delTTAC).
Protein change: p.Tyr1701fs; shifts the reading frame from tyrosine 1701.
Molecular consequence: frameshift variant. On other transcripts: non-coding transcript variant (6).
Genome position (GRCh38, 1-based): chr14:95,094,149-95,094,152, GTAA deleted on the plus strand (TTAC on the coding strand, the reverse complement: DICER1 is on the minus strand). VCF-style (leftmost placement, unchanged base first): chr14-95094148-GGTAA-G. GRCh37 (hg19) VCF-style: chr14-95560485-GGTAA-G.
Other names: c.5100_5103del, p.Tyr1701fs (NM_001195573.1, NM_001271282.3, NM_001291628.2 and 8 more transcripts); c.5100_5103delTTAC, p.Tyr1701Serfs (NM_001395681.1); c.4818_4821del, p.Tyr1607fs (NM_001395686.1); c.4695_4698del, p.Tyr1566fs (NM_001395687.1, NM_001395688.1, NM_001395689.1 and 1 more transcripts); c.4533_4536del, p.Tyr1512fs (NM_001395691.1); c.3417_3420del, p.Tyr1140fs (NM_001395697.1); short protein forms Y1140fs, Y1701fs, Y1512fs, Y1566fs, Y1607fs.
Identifiers: ClinVar variation 2711128 (VCV002711128.3), dbSNP rs2542446879, ClinGen allele CA2697554153.

ClinVar aggregate classification (germline): Pathogenic (1 of 4 stars; one submission).

Conditions:
DICER1-related tumor predisposition. Also called: DICER1 syndrome; DICER1-related pleuropulmonary blastoma cancer predisposition syndrome. Identifiers: Orphanet 284343, MedGen C3839822, MONDO:0100216.

Submission:

Labcorp Genetics (formerly Invitae), Labcorp
Classification: Pathogenic for DICER1-related tumor predisposition. Last evaluated: 2024-01-24. Review status: criteria provided, single submitter. Criteria: Invitae Variant Classification Sherloc (09022015). Collection method: clinical testing. Allele origin: germline.
Comment: This sequence change creates a premature translational stop signal (p.Tyr1701Serfs*3) in the DICER1 gene. It is expected to result in an absent or disrupted protein product. Loss-of-function variants in DICER1 are known to be pathogenic (PMID: 19556464, 21266384). This variant is not present in population databases (gnomAD no frequency). This variant has not been reported in the literature in individuals affected with DICER1-related conditions. For these reasons, this variant has been classified as Pathogenic.

Literature cited by the submitters: PubMed 19556464; PubMed 21266384.